The following is an entry in ClinVar:

NM_006648.4(WNK2):c.4135G>A (p.Ala1379Thr)

Gene: WNK2 (WNK lysine deficient protein kinase 2; plus strand). Cytogenetic location: 9q22.31.
Variant type: single nucleotide variant.
Coding change: c.4135G>A on transcript NM_006648.4 (MANE Select); coding-DNA position 4135, G replaced by A.
Protein change: p.Ala1379Thr; replaces alanine 1379 with threonine.
Molecular consequence: missense variant.
Genome position (GRCh38, 1-based): chr9:93,288,889, G>A. VCF-style: chr9-93288889-G-A. GRCh37 (hg19) VCF-style: chr9-96051171-G-A.
Other names: c.4246G>A, p.Ala1416Thr (NM_001282394.3); short protein forms A1416T, A1379T.
Identifiers: ClinVar variation 3817142 (VCV003817142.1).
Genomic context (GRCh38, chr9:93,288,889, plus strand): 5'-CCCAGCTTTCTAGCCAGTCAGCAGCTCCTGAGCCAGGCGGGCCCCAGCAACCCTCCTGGG[G>A]CACCCCCAGCCCCTTTGGCCCCCTCCTCCCCTCCTGTGACTGCTCTGCCCCAAGATGGAG-3'
Protein context (NP_006639.3, residues 1369-1389): SQAGPSNPPG[Ala1379Thr]PPAPLAPSSP

ClinVar aggregate classification (germline): Uncertain significance (1 of 4 stars; one submission).

gnomAD v4.1: 2 of 1,609,646 alleles (0.00012%); highest among the groups gnomAD compares: Non-Finnish European, 0.00017%; no homozygotes.

Submission:

Ambry Genetics
Classification: Uncertain significance. Last evaluated: 2025-02-23. Review status: criteria provided, single submitter. Criteria: Ambry Variant Classification Scheme 2023. Collection method: clinical testing. Allele origin: germline.
Comment: The p.A1379T variant (also known as c.4135G>A), located in coding exon 19 of the WNK2 gene, results from a G to A substitution at nucleotide position 4135. The alanine at codon 1379 is replaced by threonine, an amino acid with similar properties. This amino acid position is conserved. In addition, this alteration is predicted to be tolerated by in silico analysis. Based on the available evidence, the clinical significance of this variant remains unclear.